The following is an entry in ClinVar:

NM_002528.7(NTHL1):c.241C>T (p.Pro81Ser)

Gene: NTHL1 (nth like DNA glycosylase 1; minus strand). Cytogenetic location: 16p13.3.
Variant type: single nucleotide variant.
Coding change: c.241C>T on transcript NM_002528.7 (MANE Select); coding-DNA position 241, C replaced by T.
Protein change: p.Pro81Ser; replaces proline 81 with serine.
Molecular consequence: missense variant. On other transcripts: intron variant (1).
Genome position (GRCh38, 1-based): chr16:2,046,241, G>A on the plus strand (C>T on the coding strand, the complement: NTHL1 is on the minus strand). VCF-style: chr16-2046241-G-A. GRCh37 (hg19) VCF-style: chr16-2096242-G-A.
Other names: c.241C>T, p.Pro81Ser (NM_001318193.2); c.24+39C>T (NM_001318194.2); c.265C>T (NM_002528.5); short protein forms P81S.
Identifiers: ClinVar variation 2112800 (VCV002112800.7), dbSNP rs1397863507, ClinGen allele CA394297211.

ClinVar aggregate classification (germline): Uncertain significance. Review status: criteria provided, multiple submitters, no conflicts (2 of 4 stars). 2 submissions from 2 submitters: Uncertain significance (2). Last evaluated 2025-10-07.

Conditions:
Hereditary cancer-predisposing syndrome. Also called: Neoplastic Syndromes, Hereditary; Tumor predisposition; Hereditary Cancer Syndrome; Hereditary neoplastic syndrome. Identifiers: Orphanet 140162, MedGen C0027672, MeSH D009386, MONDO:0015356.

gnomAD v4.1: 4 of 1,613,232 alleles (0.00025%); highest among the groups gnomAD compares: Middle Eastern, 0.016%; no homozygotes.

Submissions (2):

Labcorp Genetics (formerly Invitae), Labcorp
Classification: Uncertain significance. Last evaluated: 2025-10-07. Review status: criteria provided, single submitter. Criteria: Invitae Variant Classification Sherloc (09022015). Collection method: clinical testing. Allele origin: germline.
Comment: This sequence change replaces proline, which is neutral and non-polar, with serine, which is neutral and polar, at codon 89 of the NTHL1 protein (p.Pro89Ser). This variant is present in population databases (no rsID available, gnomAD 0.0009%). This variant has not been reported in the literature in individuals affected with NTHL1-related conditions. ClinVar contains an entry for this variant (Variation ID: 2112800). An algorithm developed to predict the effect of missense changes on protein structure and function (PolyPhen-2) suggests that this variant is likely to be disruptive. In summary, the available evidence is currently insufficient to determine the role of this variant in disease. Therefore, it has been classified as a Variant of Uncertain Significance.

Ambry Genetics
Classification: Uncertain significance for Hereditary cancer-predisposing syndrome. Last evaluated: 2023-06-16. Review status: criteria provided, single submitter. Criteria: Ambry Variant Classification Scheme 2023. Collection method: clinical testing. Allele origin: germline.
Comment: The p.P89S variant (also known as c.265C>T), located in coding exon 2 of the NTHL1 gene, results from a C to T substitution at nucleotide position 265. The proline at codon 89 is replaced by serine, an amino acid with similar properties. This amino acid position is conserved. In addition, the in silico prediction for this alteration is inconclusive. Since supporting evidence is limited at this time, the clinical significance of this alteration remains unclear.